The following is an entry in ClinVar:

ClinVar aggregate classification (germline): Conflicting classifications of pathogenicity. Review status: criteria provided, conflicting classifications (1 of 4 stars). 3 submissions from 3 submitters: Uncertain significance (2); Likely benign (1). Last evaluated 2023-06-05.

Conditions:
Inborn genetic diseases. Identifiers: MedGen C0950123, MeSH D030342.
Microcephaly 2, primary, autosomal recessive, with or without cortical malformations. Also called: MICROCEPHALY 2, PRIMARY, AUTOSOMAL RECESSIVE, WITH CORTICAL MALFORMATIONS; WDR62 Primary Microcephaly. Identifiers: Orphanet 2512, MedGen C1858535, MONDO:0011435, OMIM 604317.

Allele frequency attached by ClinVar (database versions not stated): ExAC 0.00002; gnomAD 0.00003 and 0.00004; TOPMed 0.00003; gnomAD exomes 0.00005 and 0.00006.
gnomAD v4.1: 73 of 1,614,062 alleles (0.0045%); highest among the groups gnomAD compares: East Asian, 0.067%; no homozygotes.

Submissions (3):

Ambry Genetics
Classification: Likely benign for Inborn genetic diseases. Last evaluated: 2023-06-05. Review status: criteria provided, single submitter. Criteria: Ambry Variant Classification Scheme 2023. Collection method: clinical testing. Allele origin: germline.

Labcorp Genetics (formerly Invitae), Labcorp
Classification: Uncertain significance. Last evaluated: 2022-09-07. Review status: criteria provided, single submitter. Criteria: Invitae Variant Classification Sherloc (09022015). Collection method: clinical testing. Allele origin: germline.
Comment: This sequence change replaces arginine, which is basic and polar, with glutamine, which is neutral and polar, at codon 264 of the WDR62 protein (p.Arg264Gln). This variant is present in population databases (rs765050364, gnomAD 0.03%). This variant has not been reported in the literature in individuals affected with WDR62-related conditions. ClinVar contains an entry for this variant (Variation ID: 328907). Algorithms developed to predict the effect of missense changes on protein structure and function output the following: SIFT: "Tolerated"; PolyPhen-2: "Benign"; Align-GVGD: "Class C0". The glutamine amino acid residue is found in multiple mammalian species, which suggests that this missense change does not adversely affect protein function. Algorithms developed to predict the effect of sequence changes on RNA splicing suggest that this variant may create or strengthen a splice site. In summary, the available evidence is currently insufficient to determine the role of this variant in disease. Therefore, it has been classified as a Variant of Uncertain Significance.

Illumina Laboratory Services, Illumina
Classification: Uncertain significance for Microcephaly 2, primary, autosomal recessive, with or without cortical malformations. Last evaluated: 2018-01-13. Review status: criteria provided, single submitter. Criteria: ICSL Variant Classification Criteria 13 December 2019. Collection method: clinical testing. Allele origin: germline.

NM_001083961.2(WDR62):c.791G>A (p.Arg264Gln)

Gene: WDR62 (WD repeat domain 62; plus strand). Cytogenetic location: 19q13.12.
Variant type: single nucleotide variant.
Coding change: c.791G>A on transcript NM_001083961.2 (MANE Select); coding-DNA position 791, G replaced by A.
Protein change: p.Arg264Gln; replaces arginine 264 with glutamine.
Molecular consequence: missense variant.
Genome position (GRCh38, 1-based): chr19:36,067,919, G>A. VCF-style: chr19-36067919-G-A. GRCh37 (hg19) VCF-style: chr19-36558821-G-A.
Other names: c.791G>A, p.Arg264Gln (NM_173636.5); short protein forms R264Q.
Identifiers: ClinVar variation 328907 (VCV000328907.11), dbSNP rs765050364, ClinGen allele CA9395390.